The following is an entry in ClinVar:

NM_000245.4(MET):c.985C>G (p.Leu329Val)

Gene: MET (MET proto-oncogene, receptor tyrosine kinase; plus strand). Cytogenetic location: 7q31.2.
Variant type: single nucleotide variant.
Coding change: c.985C>G on transcript NM_000245.4 (MANE Select); coding-DNA position 985, C replaced by G.
Protein change: p.Leu329Val; replaces leucine 329 with valine.
Molecular consequence: missense variant. On other transcripts: intron variant (1).
Genome position (GRCh38, 1-based): chr7:116,700,069, C>G. VCF-style: chr7-116700069-C-G. GRCh37 (hg19) VCF-style: chr7-116340123-C-G.
Other names: c.985C>G, p.Leu329Val (NM_001127500.3, NM_001324401.3); c.-91+27492C>G (NM_001324402.2); short protein forms L329V.
Identifiers: ClinVar variation 2890573 (VCV002890573.3), dbSNP rs1554378983, ClinGen allele CA368970290.

ClinVar aggregate classification (germline): Uncertain significance (1 of 4 stars; one submission).

Conditions:
Renal cell carcinoma. Identifiers: Orphanet 217071, MedGen C0007134, MeSH D002292, MONDO:0005086, HP:0005584.

Submission:

Labcorp Genetics (formerly Invitae), Labcorp
Classification: Uncertain significance for Renal cell carcinoma. Last evaluated: 2024-07-15. Review status: criteria provided, single submitter. Criteria: Invitae Variant Classification Sherloc (09022015). Collection method: clinical testing. Allele origin: germline.
Comment: This sequence change replaces leucine, which is neutral and non-polar, with valine, which is neutral and non-polar, at codon 329 of the MET protein (p.Leu329Val). This variant is not present in population databases (gnomAD no frequency). This variant has not been reported in the literature in individuals affected with MET-related conditions. Advanced modeling of protein sequence and biophysical properties (such as structural, functional, and spatial information, amino acid conservation, physicochemical variation, residue mobility, and thermodynamic stability) performed at Invitae indicates that this missense variant is expected to disrupt MET protein function with a positive predictive value of 80%. In summary, the available evidence is currently insufficient to determine the role of this variant in disease. Therefore, it has been classified as a Variant of Uncertain Significance.